The following is an entry in ClinVar:

ClinVar aggregate classification (germline): Uncertain significance (1 of 4 stars; one submission).

Conditions:
Rhabdoid tumor predisposition syndrome 2 (RTPS2). Identifiers: Orphanet 231108, Orphanet 69077, MedGen C2750074, MONDO:0013224, OMIM 613325.

Submission:

Labcorp Genetics (formerly Invitae), Labcorp
Classification: Uncertain significance for Rhabdoid tumor predisposition syndrome 2. Last evaluated: 2023-09-04. Review status: criteria provided, single submitter. Criteria: Invitae Variant Classification Sherloc (09022015). Collection method: clinical testing. Allele origin: germline.
Comment: Algorithms developed to predict the effect of sequence changes on RNA splicing suggest that this variant may create or strengthen a splice site. This variant has not been reported in the literature in individuals affected with SMARCA4-related conditions. This variant is not present in population databases (gnomAD no frequency). This sequence change falls in intron 18 of the SMARCA4 gene. It does not directly change the encoded amino acid sequence of the SMARCA4 protein. In summary, the available evidence is currently insufficient to determine the role of this variant in disease. Therefore, it has been classified as a Variant of Uncertain Significance.

NM_003072.5(SMARCA4):c.2617-15C>G

Gene: SMARCA4 (SWI/SNF related BAF chromatin remodeling complex subunit ATPase 4; plus strand). Cytogenetic location: 19p13.2.
Variant type: single nucleotide variant.
Coding change: c.2617-15C>G on transcript NM_003072.5 (MANE Select); 15 bases into the intron before coding-DNA position 2617, C replaced by G.
Molecular consequence: intron variant.
Genome position (GRCh38, 1-based): chr19:11,021,710, C>G. VCF-style: chr19-11021710-C-G. GRCh37 (hg19) VCF-style: chr19-11132386-C-G.
Other names: c.2617-15C>G (NM_001128849.3, NM_001128847.4, NM_001387283.1 and 6 more transcripts).
Identifiers: ClinVar variation 2873909 (VCV002873909.3), dbSNP rs2146414077, ClinGen allele CA2735614663.